The following is an entry in ClinVar:

ClinVar aggregate classification (germline): Uncertain significance (1 of 4 stars; one submission).

Conditions:
Neuromuscular disease caused by qualitative or quantitative defects of dysferlin. Also called: Dysferlinopathy; Qualitative or quantitative defects of dysferlin. Identifiers: Orphanet 207073, MedGen C2931687, MONDO:0016145.

Submission:

Labcorp Genetics (formerly Invitae), Labcorp
Classification: Uncertain significance for Neuromuscular disease caused by qualitative or quantitative defects of dysferlin. Last evaluated: 2021-04-15. Review status: criteria provided, single submitter. Criteria: Invitae Variant Classification Sherloc (09022015). Collection method: clinical testing. Allele origin: germline.
Comment: A copy number gain of the genomic region encompassing the full coding sequence of the DYSF gene has been identified. The boundaries of this event are unknown as they extend beyond the assayed region for this gene and therefore may encompass additional genes. As the precise location of this event is unknown, it may be in tandem or it may be located elsewhere in the genome. This variant has not been reported in the literature in individuals with DYSF-related conditions. Experimental studies and prediction algorithms are not available or were not evaluated, and the functional significance of this variant is currently unknown. In summary, the available evidence is currently insufficient to determine the role of this variant in disease. Therefore, it has been classified as a Variant of Uncertain Significance.

NC_000002.11:g.(?_71681129)_(71913622_?)dup

Gene: DYSF (dysferlin; plus strand). Cytogenetic location: 2p13.2.
Variant type: Duplication.
Identifiers: ClinVar variation 2424694 (VCV002424694.3).